The following is an entry in ClinVar:

ClinVar aggregate classification (germline): Likely benign (1 of 4 stars; one submission).

Conditions:
Amyotrophic lateral sclerosis type 6. Also called: FUS-Related Amyotrophic Laterial Sclerosis; AMYOTROPHIC LATERAL SCLEROSIS 6 WITHOUT FRONTOTEMPORAL DEMENTIA; Amyotrophic lateral sclerosis 6, with or without frontotemporal dementia. Identifiers: Orphanet 275872, Orphanet 803, MedGen C2931786, MONDO:0011951, OMIM 608030.

Allele frequency attached by ClinVar (database versions not stated): 1000 Genomes Project 30x 0.00578; 1000 Genomes Project 0.00599; TOPMed 0.00906.
gnomAD v4.1: 1,673 of 514,718 alleles (0.33%); highest among the groups gnomAD compares: African/African-American, 2.8%; 15 homozygotes.

Submission:

Illumina Laboratory Services, Illumina
Classification: Likely benign for Amyotrophic lateral sclerosis type 6. Last evaluated: 2018-01-13. Review status: criteria provided, single submitter. Criteria: ICSL Variant Classification Criteria 13 December 2019. Collection method: clinical testing. Allele origin: germline.
Comment: This variant was observed in the ICSL laboratory as part of a predisposition screen in an ostensibly healthy population. It had not been previously curated by ICSL or reported in the Human Gene Mutation Database (HGMD: prior to June 1st, 2018), and was therefore a candidate for classification through an automated scoring system. Utilizing variant allele frequency, disease prevalence and penetrance estimates, and inheritance mode, an automated score was calculated to assess if this variant is too frequent to cause the disease. Based on the score and internal cut-off values, a variant classified as likely benign is not then subjected to further curation. The score for this variant resulted in a classification of likely benign for this disease.

NM_004960.3(FUS):c.*2955A>G

Gene: FUS (FUS DNA/RNA binding protein; plus strand). Cytogenetic location: 16p11.2.
Variant type: single nucleotide variant.
Coding change: c.*2955A>G on transcript NM_004960.3; 2955 bases downstream of the stop codon, A replaced by G.
Molecular consequence: 3 prime UTR variant (on NM_001170634.1). On other transcripts: non-coding transcript variant (1).
Genome position (GRCh38, 1-based): chr16:31,194,393, A>G. VCF-style: chr16-31194393-A-G. GRCh37 (hg19) VCF-style: chr16-31205714-A-G.
Other names: c.*2955A>G (NM_001170634.1, NM_001170937.1).
Identifiers: ClinVar variation 319046 (VCV000319046.7), dbSNP rs149361851, ClinGen allele CA8024367.
Genomic context (GRCh38, chr16:31,194,393, plus strand): 5'-GGCTGGATTGCAGTGGTGTGATCTCGACCAACTGCAACCTCTGCCTCCCACCCGCAAGCT[A>G]TCTGCCCACCTCAGCCTCTGGAGTAGCTGGGACGGGACTACAGGCACCTGCCACCATGAC-3'